The following is an entry in ClinVar:

NM_000214.3(JAG1):c.2966T>G (p.Leu989Trp)

Gene: JAG1 (jagged canonical Notch ligand 1; minus strand). Cytogenetic location: 20p12.2.
Variant type: single nucleotide variant.
Coding change: c.2966T>G on transcript NM_000214.3 (MANE Select); coding-DNA position 2966, T replaced by G.
Protein change: p.Leu989Trp; replaces leucine 989 with tryptophan.
Molecular consequence: missense variant.
Genome position (GRCh38, 1-based): chr20:10,641,195, A>C on the plus strand (T>G on the coding strand, the complement: JAG1 is on the minus strand). VCF-style: chr20-10641195-A-C. GRCh37 (hg19) VCF-style: chr20-10621843-A-C.
Other names: short protein forms L989W.
Identifiers: ClinVar variation 3774261 (VCV003774261.2).

ClinVar aggregate classification (germline): Uncertain significance (1 of 4 stars; one submission).

Submission:

GeneDx
Classification: Uncertain significance. Last evaluated: 2026-07-09. Review status: criteria provided, single submitter. Criteria: GeneDx Variant Classification Process June 2021. Collection method: clinical testing. Allele origin: germline.
Comment: Not observed at significant frequency in large population cohorts (gnomAD); In silico analysis supports that this missense variant has a deleterious effect on protein structure/function; Has not been previously published as pathogenic or benign to our knowledge